The following is an entry in ClinVar:

NM_000245.4(MET):c.625C>A (p.His209Asn)

Gene: MET (MET proto-oncogene, receptor tyrosine kinase; plus strand). Cytogenetic location: 7q31.2.
Variant type: single nucleotide variant.
Coding change: c.625C>A on transcript NM_000245.4 (MANE Select); coding-DNA position 625, C replaced by A.
Protein change: p.His209Asn; replaces histidine 209 with asparagine.
Molecular consequence: missense variant. On other transcripts: intron variant (1).
Genome position (GRCh38, 1-based): chr7:116,699,709, C>A. VCF-style: chr7-116699709-C-A. GRCh37 (hg19) VCF-style: chr7-116339763-C-A.
Other names: c.625C>A, p.His209Asn (NM_001127500.3, NM_001324401.3); c.-91+27132C>A (NM_001324402.2); short protein forms H209N.
Identifiers: ClinVar variation 3233003 (VCV003233003.4), dbSNP rs866183824, ClinGen allele CA368969488.
Genomic context (GRCh38, chr7:116,699,709, plus strand): 5'-AAGGACCGGTTCATCAACTTCTTTGTAGGCAATACCATAAATTCTTCTTATTTCCCAGAT[C>A]ATCCATTGCATTCGATATCAGTGAGAAGGCTAAAGGAAACGAAAGATGGTTTTATGTTTT-3'
Protein context (NP_000236.2, residues 199-219): NTINSSYFPD[His209Asn]PLHSISVRRL

ClinVar aggregate classification (germline): Conflicting classifications of pathogenicity. Review status: criteria provided, conflicting classifications (1 of 4 stars). 2 submissions from 2 submitters: Uncertain significance (1); Likely benign (1). Last evaluated 2026-06-05.

Conditions:
Hereditary cancer-predisposing syndrome. Also called: Neoplastic Syndromes, Hereditary; Tumor predisposition; Hereditary Cancer Syndrome; Hereditary neoplastic syndrome. Identifiers: Orphanet 140162, MedGen C0027672, MeSH D009386, MONDO:0015356.
Renal cell carcinoma. Identifiers: Orphanet 217071, MedGen C0007134, MeSH D002292, MONDO:0005086, HP:0005584.

Submissions (2):

Ambry Genetics
Classification: Likely benign for Hereditary cancer-predisposing syndrome. Last evaluated: 2026-06-05. Review status: criteria provided, single submitter. Criteria: Ambry Variant Classification Scheme 2023. Collection method: clinical testing. Allele origin: germline.

Labcorp Genetics (formerly Invitae), Labcorp
Classification: Uncertain significance for Renal cell carcinoma. Last evaluated: 2024-10-16. Review status: criteria provided, single submitter. Criteria: Invitae Variant Classification Sherloc (09022015). Collection method: clinical testing. Allele origin: germline.
Comment: This sequence change replaces histidine, which is basic and polar, with asparagine, which is neutral and polar, at codon 209 of the MET protein (p.His209Asn). This variant is not present in population databases (gnomAD no frequency). This variant has not been reported in the literature in individuals affected with MET-related conditions. Invitae Evidence Modeling of protein sequence and biophysical properties (such as structural, functional, and spatial information, amino acid conservation, physicochemical variation, residue mobility, and thermodynamic stability) indicates that this missense variant is not expected to disrupt MET protein function with a negative predictive value of 80%. In summary, the available evidence is currently insufficient to determine the role of this variant in disease. Therefore, it has been classified as a Variant of Uncertain Significance.